The following is an entry in ClinVar:

ClinVar aggregate classification (germline): Uncertain significance. Review status: criteria provided, multiple submitters, no conflicts (2 of 4 stars). 2 submissions from 2 submitters: Uncertain significance (2). Last evaluated 2025-11-18.

Conditions:
Inborn genetic diseases. Identifiers: MedGen C0950123, MeSH D030342.

gnomAD v4.1: 8 of 1,614,034 alleles (0.0005%); highest among the groups gnomAD compares: Admixed American, 0.012%; no homozygotes.

Submissions (2):

Labcorp Genetics (formerly Invitae), Labcorp
Classification: Uncertain significance. Last evaluated: 2025-11-18. Review status: criteria provided, single submitter. Criteria: Invitae Variant Classification Sherloc (09022015). Collection method: clinical testing. Allele origin: germline.
Comment: This sequence change replaces alanine, which is neutral and non-polar, with serine, which is neutral and polar, at codon 25 of the REST protein (p.Ala25Ser). This variant is present in population databases (no rsID available, gnomAD 0.006%). This variant has not been reported in the literature in individuals affected with REST-related conditions. ClinVar contains an entry for this variant (Variation ID: 3637064). An algorithm developed to predict the effect of missense changes on protein structure and function (PolyPhen-2) suggests that this variant is likely to be disruptive. In summary, the available evidence is currently insufficient to determine the role of this variant in disease. Therefore, it has been classified as a Variant of Uncertain Significance.

Ambry Genetics
Classification: Uncertain significance for Inborn genetic diseases. Last evaluated: 2025-02-04. Review status: criteria provided, single submitter. Criteria: Ambry Variant Classification Scheme 2023. Collection method: clinical testing. Allele origin: germline.

NM_005612.5(REST):c.73G>T (p.Ala25Ser)

Gene: REST (RE1 silencing transcription factor; plus strand). Cytogenetic location: 4q12.
Variant type: single nucleotide variant.
Coding change: c.73G>T on transcript NM_005612.5 (MANE Select); coding-DNA position 73, G replaced by T.
Protein change: p.Ala25Ser; replaces alanine 25 with serine.
Molecular consequence: missense variant.
Genome position (GRCh38, 1-based): chr4:56,910,711, G>T. VCF-style: chr4-56910711-G-T. GRCh37 (hg19) VCF-style: chr4-57776877-G-T.
Other names: c.73G>T, p.Ala25Ser (NM_001193508.2, NM_001363453.3); short protein forms A25S.
Identifiers: ClinVar variation 3637064 (VCV003637064.3).